The following is an entry in ClinVar:

ClinVar aggregate classification (germline): Uncertain significance (1 of 4 stars; one submission).

Conditions:
Familial cancer of breast. Also called: BREAST CANCER, FAMILIAL; Hereditary breast cancer; hereditary breast carcinoma. Identifiers: Orphanet 227535, MedGen C0346153, MONDO:0016419, OMIM 114480. Disease mechanism: loss of function.

Submission:

Labcorp Genetics (formerly Invitae), Labcorp
Classification: Uncertain significance for Familial cancer of breast. Last evaluated: 2019-07-11. Review status: criteria provided, single submitter. Criteria: Invitae Variant Classification Sherloc (09022015). Collection method: clinical testing. Allele origin: germline.
Comment: This sequence change replaces histidine with asparagine at codon 261 of the PALB2 protein (p.His261Asn). The histidine residue is moderately conserved and there is a small physicochemical difference between histidine and asparagine. This variant is not present in population databases (ExAC no frequency). This variant has not been reported in the literature in individuals with PALB2-related disease. Algorithms developed to predict the effect of missense changes on protein structure and function do not agree on the potential impact of this missense change (SIFT: "Deleterious"; PolyPhen-2: "Benign"; Align-GVGD: "Class C0"). In summary, the available evidence is currently insufficient to determine the role of this variant in disease. Therefore, it has been classified as a Variant of Uncertain Significance.

NM_024675.4(PALB2):c.781C>A (p.His261Asn)

Gene: PALB2 (partner and localizer of BRCA2; minus strand). Cytogenetic location: 16p12.2.
Variant type: single nucleotide variant.
Coding change: c.781C>A on transcript NM_024675.4 (MANE Select); coding-DNA position 781, C replaced by A.
Protein change: p.His261Asn; replaces histidine 261 with asparagine.
Molecular consequence: missense variant.
Genome position (GRCh38, 1-based): chr16:23,635,765, G>T on the plus strand (C>A on the coding strand, the complement: PALB2 is on the minus strand). VCF-style: chr16-23635765-G-T. GRCh37 (hg19) VCF-style: chr16-23647086-G-T.
Other names: short protein forms H261N.
Identifiers: ClinVar variation 530217 (VCV000530217.11), dbSNP rs1555461626, ClinGen allele CA395136066.